The following is an entry in ClinVar:

NM_014484.5(MOCS3):c.374A>T (p.Gln125Leu)

Gene: MOCS3 (molybdenum cofactor synthesis 3; plus strand). Cytogenetic location: 20q13.13.
Variant type: single nucleotide variant.
Coding change: c.374A>T on transcript NM_014484.5 (MANE Select); coding-DNA position 374, A replaced by T.
Protein change: p.Gln125Leu; replaces glutamine 125 with leucine.
Molecular consequence: missense variant.
Genome position (GRCh38, 1-based): chr20:50,959,216, A>T. VCF-style: chr20-50959216-A-T. GRCh37 (hg19) VCF-style: chr20-49575753-A-T.
Other names: short protein forms Q125L.
Identifiers: ClinVar variation 1347081 (VCV001347081.8), dbSNP rs1244576161, ClinGen allele CA408982895.

ClinVar aggregate classification (germline): Uncertain significance (1 of 4 stars; one submission).

Allele frequency attached by ClinVar (database versions not stated): gnomAD 0.00001; gnomAD exomes 0.00001; TOPMed 0.00001.
gnomAD v4.1: 15 of 1,611,584 alleles (0.00093%); highest among the groups gnomAD compares: Non-Finnish European, 0.0013%; no homozygotes.

Submission:

Labcorp Genetics (formerly Invitae), Labcorp
Classification: Uncertain significance. Last evaluated: 2021-04-21. Review status: criteria provided, single submitter. Criteria: Invitae Variant Classification Sherloc (09022015). Collection method: clinical testing. Allele origin: germline.
Comment: In summary, the available evidence is currently insufficient to determine the role of this variant in disease. Therefore, it has been classified as a Variant of Uncertain Significance. Algorithms developed to predict the effect of missense changes on protein structure and function (SIFT, PolyPhen-2, Align-GVGD) all suggest that this variant is likely to be disruptive, but these predictions have not been confirmed by published functional studies and their clinical significance is uncertain. This variant has not been reported in the literature in individuals with MOCS3-related conditions. This variant is not present in population databases (ExAC no frequency). This sequence change replaces glutamine with leucine at codon 125 of the MOCS3 protein (p.Gln125Leu). The glutamine residue is highly conserved and there is a moderate physicochemical difference between glutamine and leucine.